The following is an entry in ClinVar:

NM_000179.3(MSH6):c.2195G>C (p.Arg732Pro)

Gene: MSH6 (mutS homolog 6; plus strand). Cytogenetic location: 2p16.3.
Variant type: single nucleotide variant.
Coding change: c.2195G>C on transcript NM_000179.3 (MANE Select); coding-DNA position 2195, G replaced by C.
Protein change: p.Arg732Pro; replaces arginine 732 with proline.
Molecular consequence: missense variant.
Genome position (GRCh38, 1-based): chr2:47,800,178, G>C. VCF-style: chr2-47800178-G-C. GRCh37 (hg19) VCF-style: chr2-48027317-G-C.
Other names: c.1805G>C, p.Arg602Pro (NM_001281492.2); c.1289G>C, p.Arg430Pro (NM_001281493.2, NM_001281494.2); short protein forms R732P, R602P, R430P.
Identifiers: ClinVar variation 423126 (VCV000423126.23), dbSNP rs749746725, ClinGen allele CA16617670.

ClinVar aggregate classification (germline): Conflicting classifications of pathogenicity. Review status: criteria provided, conflicting classifications (1 of 4 stars). 6 submissions from 6 submitters: Uncertain significance (5); Likely benign (1). Last evaluated 2025-10-19.

Conditions:
Hereditary cancer-predisposing syndrome. Also called: Hereditary neoplastic syndrome; Neoplastic Syndromes, Hereditary; Tumor predisposition; Hereditary Cancer Syndrome. Identifiers: Orphanet 140162, MedGen C0027672, MeSH D009386, MONDO:0015356.
Endometrial carcinoma. Also called: Endometrial carcinoma, somatic. Identifiers: MedGen C0476089, MONDO:0002447, OMIM 608089, HP:0012114.
Lynch syndrome 5 (LYNCH5). Also called: Hereditary non-polyposis colorectal cancer, type 5; Colorectal cancer, hereditary nonpolyposis, type 5. Identifiers: Orphanet 144, MedGen C1833477, MONDO:0013710, OMIM 614350. Disease mechanism: loss of function.
Mismatch repair cancer syndrome 3. Identifiers: MedGen C5436807, MONDO:0030841, OMIM 619097.
Hereditary nonpolyposis colorectal neoplasms. Identifiers: MedGen C0009405, MeSH D003123.
Lynch syndrome. Identifiers: Orphanet 144, MedGen C4552100, MONDO:0005835. Disease mechanism: loss of function.

Allele frequency attached by ClinVar (database versions not stated): TOPMed 0.00002; gnomAD 0.00003.
gnomAD v4.1: 17 of 1,614,010 alleles (0.0011%); highest among the groups gnomAD compares: Admixed American, 0.0017%; no homozygotes.

Submissions (6):

Labcorp Genetics (formerly Invitae), Labcorp
Classification: Likely benign for Hereditary nonpolyposis colorectal neoplasms. Last evaluated: 2025-10-19. Review status: criteria provided, single submitter. Criteria: Invitae Variant Classification Sherloc (09022015). Collection method: clinical testing. Allele origin: germline.

Ambry Genetics
Classification: Uncertain significance for Hereditary cancer-predisposing syndrome. Last evaluated: 2025-06-29. Review status: criteria provided, single submitter. Criteria: Ambry Variant Classification Scheme 2023. Collection method: clinical testing. Allele origin: germline.
Comment: The p.R732P variant (also known as c.2195G>C), located in coding exon 4 of the MSH6 gene, results from a G to C substitution at nucleotide position 2195. The arginine at codon 732 is replaced by proline, an amino acid with dissimilar properties. This amino acid position is highly conserved in available vertebrate species. In addition, this alteration is predicted to be deleterious by in silico analysis. Since supporting evidence is limited at this time, the clinical significance of this alteration remains unclear.

Fulgent Genetics
Classification: Uncertain significance for Endometrial carcinoma; Lynch syndrome 5; Mismatch repair cancer syndrome 3. Last evaluated: 2024-01-03. Review status: criteria provided, single submitter. Criteria: ACMG Guidelines, 2015. Collection method: clinical testing. Allele origin: germline.

All of Us Research Program, National Institutes of Health
Classification: Uncertain significance for Lynch syndrome. Last evaluated: 2022-11-28. Review status: criteria provided, single submitter. Criteria: ACMG Guidelines, 2015. Collection method: clinical testing. Allele origin: germline. Inheritance: Autosomal dominant inheritance. Observed: 1 variant allele, 1 heterozygote.
Comment: This missense variant replaces arginine with proline at codon 732 of the MSH6 protein. Computational prediction suggests that this variant may have deleterious impact on protein structure and function (internally defined REVEL score threshold >= 0.7, PMID: 27666373). To our knowledge, functional studies have not been reported for this variant. This variant has not been reported in individuals affected with hereditary cancer in the literature. This variant has been identified in 3/282276 chromosomes in the general population by the Genome Aggregation Database (gnomAD). The available evidence is insufficient to determine the role of this variant in disease conclusively. Therefore, this variant is classified as a Variant of Uncertain Significance.

This study involves interpretation of variants in research participants for the purpose of population health screening. Participant phenotype was not available at the time of variant classification. Additional details can be found in publication PMID: 35346344, PMCID: PMC8962531

Color Diagnostics, LLC DBA Color Health
Classification: Uncertain significance for Hereditary cancer-predisposing syndrome. Last evaluated: 2021-11-23. Review status: criteria provided, single submitter. Criteria: ACMG Guidelines, 2015. Collection method: clinical testing. Allele origin: germline.
Comment: This missense variant replaces arginine with proline at codon 732 of the MSH6 protein. Computational prediction suggests that this variant may have deleterious impact on protein structure and function (internally defined REVEL score threshold >= 0.7, PMID: 27666373). To our knowledge, functional studies have not been reported for this variant. This variant has not been reported in individuals affected with hereditary cancer in the literature. This variant has been identified in 3/282276 chromosomes in the general population by the Genome Aggregation Database (gnomAD). The available evidence is insufficient to determine the role of this variant in disease conclusively. Therefore, this variant is classified as a Variant of Uncertain Significance.

GeneDx
Classification: Uncertain significance. Last evaluated: 2019-05-08. Review status: criteria provided, single submitter. Criteria: GeneDx Variant Classification Process June 2021. Collection method: clinical testing. Allele origin: germline. Affected: yes.
Comment: Not observed at a significant frequency in large population cohorts (Lek et al., 2016); Has not been previously published as pathogenic or benign to our knowledge